The following is an entry in ClinVar:

ClinVar aggregate classification (germline): Uncertain significance (1 of 4 stars; one submission).

Conditions:
Charcot-Marie-Tooth disease axonal type 2U. Also called: CHARCOT-MARIE-TOOTH NEUROPATHY, TYPE 2U; CHARCOT-MARIE-TOOTH DISEASE, AXONAL, AUTOSOMAL DOMINANT, TYPE 2U. Identifiers: Orphanet 397735, MedGen C4084821, MONDO:0014566, OMIM 616280.
Severe early-onset pulmonary alveolar proteinosis due to MARS deficiency. Also called: PULMONARY ALVEOLAR PROTEINOSIS, REUNION ISLAND; Interstitial lung and liver disease. Identifiers: Orphanet 440427, MedGen C4225400, MONDO:0014206, OMIM 615486.

Allele frequency attached by ClinVar (database versions not stated): TOPMed below 0.00001; gnomAD 0.00001; gnomAD exomes 0.00001; ExAC 0.00002.

Submission:

Labcorp Genetics (formerly Invitae), Labcorp
Classification: Uncertain significance for Charcot-Marie-Tooth disease axonal type 2U; Severe early-onset pulmonary alveolar proteinosis due to MARS deficiency. Last evaluated: 2024-06-01. Review status: criteria provided, single submitter. Criteria: Invitae Variant Classification Sherloc (09022015). Collection method: clinical testing. Allele origin: germline.
Comment: This sequence change creates a premature translational stop signal (p.Arg184*) in the MARS gene. It is expected to result in an absent or disrupted protein product. However, the current clinical and genetic evidence is not sufficient to establish whether loss-of-function variants in MARS cause disease. This variant is present in population databases (rs753083306, gnomAD 0.006%). This variant has not been reported in the literature in individuals affected with MARS-related conditions. ClinVar contains an entry for this variant (Variation ID: 475427). In summary, the available evidence is currently insufficient to determine the role of this variant in disease. Therefore, it has been classified as a Variant of Uncertain Significance.

NM_004990.4(MARS1):c.550C>T (p.Arg184Ter)

Gene: MARS1 (methionyl-tRNA synthetase 1; plus strand). Cytogenetic location: 12q13.3.
Variant type: single nucleotide variant.
Coding change: c.550C>T on transcript NM_004990.4 (MANE Select); coding-DNA position 550, C replaced by T.
Protein change: p.Arg184Ter; replaces arginine 184 with a stop codon.
Molecular consequence: nonsense.
Genome position (GRCh38, 1-based): chr12:57,490,266, C>T. VCF-style: chr12-57490266-C-T. GRCh37 (hg19) VCF-style: chr12-57884049-C-T.
Other names: short protein forms R184*.
Identifiers: ClinVar variation 475427 (VCV000475427.6), dbSNP rs753083306, ClinGen allele CA6650212.